The following is an entry in ClinVar:

NM_139276.3(STAT3):c.406G>A (p.Val136Met)

Gene: STAT3 (signal transducer and activator of transcription 3; minus strand). Cytogenetic location: 17q21.2.
Variant type: single nucleotide variant.
Coding change: c.406G>A on transcript NM_139276.3 (MANE Select); coding-DNA position 406, G replaced by A.
Protein change: p.Val136Met; replaces valine 136 with methionine.
Molecular consequence: missense variant. On other transcripts: intron variant (1).
Genome position (GRCh38, 1-based): chr17:42,339,376, C>T on the plus strand (G>A on the coding strand, the complement: STAT3 is on the minus strand). VCF-style: chr17-42339376-C-T. GRCh37 (hg19) VCF-style: chr17-40491394-C-T.
Other names: c.406G>A, p.Val136Met (NM_001369512.1, NM_001369513.1, NM_001369514.1 and 15 more transcripts); c.328G>A, p.Val110Met (NM_001384985.1); c.373-564G>A (NM_001384989.1); short protein forms V110M, V136M.
Identifiers: ClinVar variation 4792618 (VCV004792618.1).

ClinVar aggregate classification (germline): Uncertain significance (1 of 4 stars; one submission).

Conditions:
Hyper-IgE recurrent infection syndrome 1, autosomal dominant. Also called: JOB SYNDROME; Job's Syndrome; STAT3 Hyper IgE Syndrome; HYPER-IgE SYNDROME 1, AUTOSOMAL DOMINANT, WITH RECURRENT INFECTIONS; Hyper-IgE recurrent infection syndrome 1. Identifiers: Orphanet 2314, MedGen C2936739, MONDO:0007818, OMIM 147060.
STAT3 gain of function. Identifiers: MedGen C4288261.

gnomAD v4.1: 5 of 1,614,022 alleles (0.00031%); highest among the groups gnomAD compares: Non-Finnish European, 0.00025%; no homozygotes.

Submission:

Labcorp Genetics (formerly Invitae), Labcorp
Classification: Uncertain significance for STAT3 gain of function; Hyper-IgE recurrent infection syndrome 1, autosomal dominant. Last evaluated: 2025-04-01. Review status: criteria provided, single submitter. Criteria: Invitae Variant Classification Sherloc (09022015). Collection method: clinical testing. Allele origin: germline.
Comment: This sequence change replaces valine, which is neutral and non-polar, with methionine, which is neutral and non-polar, at codon 136 of the STAT3 protein (p.Val136Met). This variant is present in population databases (no rsID available, gnomAD 0.0009%). This variant has not been reported in the literature in individuals affected with STAT3-related conditions. Invitae Evidence Modeling of protein sequence and biophysical properties (such as structural, functional, and spatial information, amino acid conservation, physicochemical variation, residue mobility, and thermodynamic stability) indicates that this missense variant is not expected to disrupt STAT3 protein function with a negative predictive value of 80%. In summary, the available evidence is currently insufficient to determine the role of this variant in disease. Therefore, it has been classified as a Variant of Uncertain Significance.